The following is an entry in ClinVar:

ClinVar aggregate classification (germline): Likely pathogenic (1 of 4 stars; one submission).

Conditions:
Hereditary spastic paraplegia 35. Also called: LEUKODYSTROPHY, DYSMYELINATING, AND SPASTIC PARAPARESIS WITH OR WITHOUT DYSTONIA; Spastic paraplegia 35, autosomal recessive; Spastic paraplegia 35; SPASTIC PARAPLEGIA 35, AUTOSOMAL RECESSIVE, WITH OR WITHOUT NEURODEGENERATION. Identifiers: Orphanet 171629, MedGen C3496228, MONDO:0012866, OMIM 612319.

Submission:

Department of Medical Genetics, Sanjay Gandhi Post Graduate Institute of Medical Sciences
Classification: Likely pathogenic for Hereditary spastic paraplegia 35. Review status: criteria provided, single submitter. Criteria: ACMG Guidelines, 2015. Collection method: research. Allele origin: germline. Inheritance: Autosomal recessive inheritance. Affected: yes. Observed: 1 heterozygote.
Comment: The variant c.1039+2 T>G was detected in the heterozygous state and is classified as likely pathogenic as per ACMG-AMP guidelines (PVS1, PM2, PP5).

Literature cited by the submitters: PubMed 36790591; PubMed 31135052.

NM_024306.5(FA2H):c.1039+2T>G

Gene: FA2H (fatty acid 2-hydroxylase; minus strand). Cytogenetic location: 16q23.1.
Variant type: single nucleotide variant.
Coding change: c.1039+2T>G on transcript NM_024306.5 (MANE Select); the canonical splice donor site of the intron after coding-DNA position 1039, T replaced by G.
Molecular consequence: splice donor variant.
Genome position (GRCh38, 1-based): chr16:74,716,345, A>C on the plus strand (T>G on the coding strand, the complement: FA2H is on the minus strand). VCF-style: chr16-74716345-A-C. GRCh37 (hg19) VCF-style: chr16-74750243-A-C.
Identifiers: ClinVar variation 4759356 (VCV004759356.1).